The following is an entry in ClinVar:

ClinVar aggregate classification (germline): Pathogenic/Likely pathogenic. Review status: criteria provided, multiple submitters, no conflicts (2 of 4 stars). 3 submissions from 3 submitters: Pathogenic (1); Likely pathogenic (2). Last evaluated 2022-12-17.

Conditions:
Canavan Disease, Familial Form. Identifiers: MedGen C0751663.
Spongy degeneration of central nervous system. Also called: ACY2 DEFICIENCY; AMINOACYLASE 2 DEFICIENCY; ASP DEFICIENCY; ASPA DEFICIENCY; ASPARTOACYLASE DEFICIENCY; CANAVAN-VAN BOGAERT-BERTRAND DISEASE. Identifiers: Orphanet 141, MedGen C0206307, MONDO:0010079, OMIM 271900.

Allele frequency attached by ClinVar (database versions not stated): TOPMed below 0.00001.

Submissions (3):

Baylor Genetics
Classification: Likely pathogenic for Spongy degeneration of central nervous system. Last evaluated: 2022-12-17. Review status: criteria provided, single submitter. Criteria: ACMG Guidelines, 2015. Collection method: clinical testing. Allele origin: unknown.

Women's Health and Genetics/Laboratory Corporation of America, LabCorp
Classification: Likely pathogenic for Canavan Disease, Familial Form. Last evaluated: 2022-09-07. Review status: criteria provided, single submitter. Criteria: LabCorp Variant Classification Summary - May 2015. Collection method: clinical testing. Allele origin: germline.
Comment: Variant summary: ASPA c.321_322delTT (p.Ser108LeufsX2) results in a premature termination codon, predicted to cause a truncation of the encoded protein or absence of the protein due to nonsense mediated decay, which are commonly known mechanisms for disease. Truncations downstream of this position have been classified as pathogenic by our laboratory and associated with phenotype in HGMD. The variant was absent in 251092 control chromosomes. To our knowledge, no occurrence of c.321_322delTT in individuals affected with Canavan Disease and no experimental evidence demonstrating its impact on protein function have been reported. One clinical diagnostic laboratory has submitted clinical-significance assessments for this variant to ClinVar after 2014 and classified the variant as pathogenic. Based on the evidence outlined above, the variant was classified as likely pathogenic.

Labcorp Genetics (formerly Invitae), Labcorp
Classification: Pathogenic for Spongy degeneration of central nervous system. Last evaluated: 2022-06-10. Review status: criteria provided, single submitter. Criteria: Invitae Variant Classification Sherloc (09022015). Collection method: clinical testing. Allele origin: germline.
Comment: For these reasons, this variant has been classified as Pathogenic. This variant has not been reported in the literature in individuals affected with ASPA-related conditions. This variant is not present in population databases (gnomAD no frequency). This sequence change creates a premature translational stop signal (p.Ser108Leufs*2) in the ASPA gene. It is expected to result in an absent or disrupted protein product. Loss-of-function variants in ASPA are known to be pathogenic (PMID: 12638939).

Literature cited by the submitters: PubMed 12638939 (cited by Labcorp Genetics (formerly Invitae), Labcorp).

NM_000049.4(ASPA):c.321_322del (p.Ser108fs)

Genes: ASPA (aspartoacylase; plus strand), SPATA22 (spermatogenesis associated 22; minus strand). Cytogenetic location: 17p13.2.
Variant type: Deletion.
Coding change: c.321_322del on transcript NM_000049.4 (MANE Select); coding-DNA positions 321 to 322, 2 bases deleted (TT; older notation c.321_322delTT).
Protein change: p.Ser108fs; shifts the reading frame from serine 108.
Molecular consequence: frameshift variant. On other transcripts: intron variant (2).
Genome position (GRCh38, 1-based): chr17:3,481,687-3,481,688, TT deleted. VCF-style (leftmost placement, unchanged base first): chr17-3481686-ATT-A. GRCh37 (hg19) VCF-style: chr17-3384980-ATT-A.
Other names: c.321_322del, p.Ser108fs (NM_001128085.1); c.-73-12290_-73-12289del (NM_001321336.2, NM_001321337.2); short protein forms S108fs.
Identifiers: ClinVar variation 1377669 (VCV001377669.8), dbSNP rs1289890879, ClinGen allele CA728308270.
Genomic context (GRCh38, chr17:3,481,686, plus strand): 5'-CATATGAAGTGAGAAGGGCTCAAGAAATAAATCATTTATTTGGTCCAAAAGACAGTGAAG[ATT>A]CCTATGACATTATTTTTGACCTTCACAACACCACCTCTAACATGGGGTGCACTCTTATTC-3'